The following is an entry in ClinVar:

NM_025144.4(ALPK1):c.223G>A (p.Glu75Lys)

Gene: ALPK1 (alpha kinase 1; plus strand). Cytogenetic location: 4q25.
Variant type: single nucleotide variant.
Coding change: c.223G>A on transcript NM_025144.4 (MANE Select); coding-DNA position 223, G replaced by A.
Protein change: p.Glu75Lys; replaces glutamic acid 75 with lysine.
Molecular consequence: missense variant. On other transcripts: intron variant (1).
Genome position (GRCh38, 1-based): chr4:112,382,499, G>A. VCF-style: chr4-112382499-G-A. GRCh37 (hg19) VCF-style: chr4-113303655-G-A.
Other names: c.223G>A, p.Glu75Lys (NM_001102406.2); c.42+4601G>A (NM_001253884.2); short protein forms E75K.
Identifiers: ClinVar variation 2999385 (VCV002999385.3), dbSNP rs2476402037, ClinGen allele CA357988592.
Genomic context (GRCh38, chr4:112,382,499, plus strand): 5'-AAGGAAATGAAGTGGCCCTTCGTGCCTGAAAAGTGGCAGTACAAACAAGCCGTGGGCCCA[G>A]AGGACAAAACAAACCTGAAGGATGTGATTGGCGCCGGGTTGCAGCAGTTACTGGTAGGAA-3'
Protein context (NP_079420.3, residues 65-85): KWQYKQAVGP[Glu75Lys]DKTNLKDVIG

ClinVar aggregate classification (germline): Uncertain significance (1 of 4 stars; one submission).

Allele frequency attached by ClinVar (database versions not stated): gnomAD exomes below 0.00001.
gnomAD v4.1: 1 of 1,614,102 alleles (0.000062%); highest among the groups gnomAD compares: Non-Finnish European, 0.000085%; no homozygotes.

Submission:

Labcorp Genetics (formerly Invitae), Labcorp
Classification: Uncertain significance. Last evaluated: 2023-04-01. Review status: criteria provided, single submitter. Criteria: Invitae Variant Classification Sherloc (09022015). Collection method: clinical testing. Allele origin: germline.
Comment: In summary, the available evidence is currently insufficient to determine the role of this variant in disease. Therefore, it has been classified as a Variant of Uncertain Significance. Advanced modeling of protein sequence and biophysical properties (such as structural, functional, and spatial information, amino acid conservation, physicochemical variation, residue mobility, and thermodynamic stability) has been performed at Invitae for this missense variant, however the output from this modeling did not meet the statistical confidence thresholds required to predict the impact of this variant on ALPK1 protein function. This variant has not been reported in the literature in individuals affected with ALPK1-related conditions. This variant is not present in population databases (gnomAD no frequency). This sequence change replaces glutamic acid, which is acidic and polar, with lysine, which is basic and polar, at codon 75 of the ALPK1 protein (p.Glu75Lys).